The following is an entry in ClinVar:

NM_006206.6(PDGFRA):c.3130del (p.Thr1044fs)

Gene: PDGFRA (platelet derived growth factor receptor alpha; plus strand). Cytogenetic location: 4q12.
Variant type: Deletion.
Coding change: c.3130del on transcript NM_006206.6 (MANE Select); coding-DNA position 3130, one base deleted (A; older notation c.3130delA).
Protein change: p.Thr1044fs; shifts the reading frame from threonine 1044.
Molecular consequence: frameshift variant.
Genome position (GRCh38, 1-based): chr4:54,295,132, A deleted. VCF-style (leftmost placement, unchanged base first): chr4-54295131-GA-G. GRCh37 (hg19) VCF-style: chr4-55161298-GA-G.
Other names: c.3205del, p.Thr1069fs (NM_001347828.2); c.3130del, p.Thr1044fs (NM_001347829.2); c.3169del, p.Thr1057fs (NM_001347830.2); short protein forms T1057fs, T1044fs, T1069fs.
Identifiers: ClinVar variation 4133998 (VCV004133998.2).

ClinVar aggregate classification (germline): Uncertain significance (1 of 4 stars; one submission).

Conditions:
Hereditary cancer-predisposing syndrome. Also called: Neoplastic Syndromes, Hereditary; Tumor predisposition; Hereditary Cancer Syndrome; Hereditary neoplastic syndrome. Identifiers: Orphanet 140162, MedGen C0027672, MeSH D009386, MONDO:0015356.

Submission:

Ambry Genetics
Classification: Uncertain significance for Hereditary cancer-predisposing syndrome. Last evaluated: 2026-07-31. Review status: criteria provided, single submitter. Criteria: Ambry Variant Classification Scheme 2023. Collection method: clinical testing. Allele origin: germline.
Comment: The c.3130delA variant, located in coding exon 22 of the PDGFRA gene, results from a deletion of one nucleotide at nucleotide position 3130, causing a translational frameshift with a predicted alternate stop codon (p.T1044Pfs*29). This variant occurs at the 3' terminus of the gene and is not expected to trigger nonsense-mediated mRNA decay. Based on the available evidence, the clinical significance of this variant remains unclear.